The following is an entry in ClinVar:

ClinVar aggregate classification (germline): Uncertain significance (1 of 4 stars; one submission).

Submission:

Dasa
Classification: Uncertain significance. Last evaluated: 2025-04-28. Review status: criteria provided, single submitter. Criteria: DASA Assertion Criteria. Collection method: clinical testing. Allele origin: germline.
Comment: NM_003242.6(TGFBR2):c.808C>T (p.Gln270*) is a nonsense variant in TGFBR2 predicted to introduce a premature termination codon and is predicted to result in an absent or altered protein product. This variant is absent from population databases. The currently available literature and clinical evidence are not sufficient to establish a definitive association between this variant and the reported condition. Therefore, this variant is classified as a variant of uncertain significance.

NM_003242.6(TGFBR2):c.808C>T (p.Gln270Ter)

Gene: TGFBR2 (transforming growth factor beta receptor 2; plus strand). Cytogenetic location: 3p24.1.
Variant type: single nucleotide variant.
Coding change: c.808C>T on transcript NM_003242.6 (MANE Select); coding-DNA position 808, C replaced by T.
Protein change: p.Gln270Ter; replaces glutamine 270 with a stop codon.
Molecular consequence: nonsense. On other transcripts: intron variant (1).
Genome position (GRCh38, 1-based): chr3:30,671,991, C>T. VCF-style: chr3-30671991-C-T. GRCh37 (hg19) VCF-style: chr3-30713483-C-T.
Other names: c.811C>T, p.Gln271Ter (NM_001407129.1); c.808C>T, p.Gln270Ter (NM_001407130.1); c.703C>T, p.Gln235Ter (NM_001407132.1, NM_001407133.1, NM_001407134.1 and 2 more transcripts); c.523C>T, p.Gln175Ter (NM_001407137.1); c.448C>T, p.Gln150Ter (NM_001407138.1); c.530-16396C>T (NM_001407139.1); c.883C>T, p.Gln295Ter (NM_001024847.3); c.991C>T, p.Gln331Ter (NM_001407126.1); and 2 more; short protein forms Q150*, Q175*, Q235*, Q270*, Q271*, Q279*, Q295*, Q306*.
Identifiers: ClinVar variation 4885466 (VCV004885466.2).